The following is an entry in ClinVar:

NM_130811.4(SNAP25):c.487A>G (p.Met163Val)

Gene: SNAP25 (synaptosome associated protein 25; plus strand). Cytogenetic location: 20p12.2.
Variant type: single nucleotide variant.
Coding change: c.487A>G on transcript NM_130811.4 (MANE Select); coding-DNA position 487, A replaced by G.
Protein change: p.Met163Val; replaces methionine 163 with valine.
Molecular consequence: missense variant.
Genome position (GRCh38, 1-based): chr20:10,299,347, A>G. VCF-style: chr20-10299347-A-G. GRCh37 (hg19) VCF-style: chr20-10279995-A-G.
Other names: c.487A>G, p.Met163Val (NM_001322902.2, NM_001322903.2, NM_001322904.2 and 7 more transcripts); short protein forms M163V.
Identifiers: ClinVar variation 1347052 (VCV001347052.8), dbSNP rs2123159174, ClinGen allele CA408266626.

ClinVar aggregate classification (germline): Uncertain significance (1 of 4 stars; one submission).

Conditions:
Congenital myasthenic syndrome 18. Also called: MYASTHENIC SYNDROME, CONGENITAL, 18, WITH INTELLECTUAL DISABILITY AND ATAXIA. Identifiers: Orphanet 590, MedGen C4225364, MONDO:0014590, OMIM 616330.

Allele frequency attached by ClinVar (database versions not stated): gnomAD exomes below 0.00001.

Submission:

Labcorp Genetics (formerly Invitae), Labcorp
Classification: Uncertain significance for Congenital myasthenic syndrome 18. Last evaluated: 2022-06-13. Review status: criteria provided, single submitter. Criteria: Invitae Variant Classification Sherloc (09022015). Collection method: clinical testing. Allele origin: germline.
Comment: In summary, the available evidence is currently insufficient to determine the role of this variant in disease. Therefore, it has been classified as a Variant of Uncertain Significance. Algorithms developed to predict the effect of missense changes on protein structure and function are either unavailable or do not agree on the potential impact of this missense change (SIFT: "Deleterious"; PolyPhen-2: "Probably Damaging"; Align-GVGD: "Class C15"). This variant has not been reported in the literature in individuals affected with SNAP25-related conditions. This variant is not present in population databases (gnomAD no frequency). This sequence change replaces methionine, which is neutral and non-polar, with valine, which is neutral and non-polar, at codon 163 of the SNAP25 protein (p.Met163Val).